The following is an entry in ClinVar:

ClinVar aggregate classification (germline): Conflicting classifications of pathogenicity. Review status: criteria provided, conflicting classifications (1 of 4 stars). 3 submissions from 3 submitters: Uncertain significance (2); Likely benign (1). Last evaluated 2024-10-14.

gnomAD v4.1: 52 of 1,614,084 alleles (0.0032%); highest among the groups gnomAD compares: East Asian, 0.062%; 1 homozygote.

Submissions (3):

Blueprint Genetics
Classification: Likely benign. Last evaluated: 2024-10-14. Review status: criteria provided, single submitter. Criteria: ACMG Guidelines, 2015. Collection method: clinical testing. Allele origin: germline.

Ambry Genetics
Classification: Uncertain significance. Last evaluated: 2023-12-12. Review status: criteria provided, single submitter. Criteria: Ambry Variant Classification Scheme 2023. Collection method: clinical testing. Allele origin: germline.

Labcorp Genetics (formerly Invitae), Labcorp
Classification: Uncertain significance. Last evaluated: 2022-12-24. Review status: criteria provided, single submitter. Criteria: Invitae Variant Classification Sherloc (09022015). Collection method: clinical testing. Allele origin: germline.
Comment: This sequence change replaces aspartic acid, which is acidic and polar, with asparagine, which is neutral and polar, at codon 3949 of the FAT2 protein (p.Asp3949Asn). This variant is present in population databases (rs371179898, gnomAD 0.08%), and has an allele count higher than expected for a pathogenic variant. This variant has not been reported in the literature in individuals affected with FAT2-related conditions. Algorithms developed to predict the effect of missense changes on protein structure and function output the following: SIFT: "Tolerated"; PolyPhen-2: "Benign"; Align-GVGD: "Class C0". The asparagine amino acid residue is found in multiple mammalian species, which suggests that this missense change does not adversely affect protein function. In summary, the available evidence is currently insufficient to determine the role of this variant in disease. Therefore, it has been classified as a Variant of Uncertain Significance.

NM_001447.3(FAT2):c.11845G>A (p.Asp3949Asn)

Genes: FAT2 (FAT atypical cadherin 2; minus strand), SLC36A1 (solute carrier family 36 member 1; plus strand). Cytogenetic location: 5q33.1.
Variant type: single nucleotide variant.
Coding change: c.11845G>A on transcript NM_001447.3 (MANE Select); coding-DNA position 11845, G replaced by A.
Protein change: p.Asp3949Asn; replaces aspartic acid 3949 with asparagine.
Molecular consequence: missense variant.
Genome position (GRCh38, 1-based): chr5:151,512,225, C>T on the plus strand (G>A on the coding strand, the complement: FAT2 is on the minus strand). VCF-style: chr5-151512225-C-T. GRCh37 (hg19) VCF-style: chr5-150891786-C-T.
Other names: c.11845G>A (NM_001447.2); short protein forms D3949N.
Identifiers: ClinVar variation 2197407 (VCV002197407.6), dbSNP rs371179898, ClinGen allele CA3519930.